The following is an entry in ClinVar:

ClinVar aggregate classification (germline): Uncertain significance. Review status: criteria provided, multiple submitters, no conflicts (2 of 4 stars). 3 submissions from 3 submitters: Uncertain significance (3). Last evaluated 2025-12-08.

Conditions:
Norman-Roberts syndrome (LIS2). Also called: Lissencephaly 2 (Norman-Roberts type). Identifiers: Orphanet 89844, MedGen C0796089, MONDO:0009760, OMIM 257320.
Familial temporal lobe epilepsy 7. Identifiers: Orphanet 101046, MedGen C4225327, MONDO:0014639, OMIM 616436.

Allele frequency attached by ClinVar (database versions not stated): TOPMed 0.00001; ExAC 0.00006; gnomAD 0.00006 and 0.00007.
gnomAD v4.1: 65 of 1,612,442 alleles (0.004%); highest among the groups gnomAD compares: South Asian, 0.0099%; no homozygotes.

Submissions (3):

Labcorp Genetics (formerly Invitae), Labcorp
Classification: Uncertain significance for Familial temporal lobe epilepsy 7; Norman-Roberts syndrome. Last evaluated: 2025-12-08. Review status: criteria provided, single submitter. Criteria: Invitae Variant Classification Sherloc (09022015). Collection method: clinical testing. Allele origin: germline.
Comment: This sequence change replaces leucine, which is neutral and non-polar, with phenylalanine, which is neutral and non-polar, at codon 522 of the RELN protein (p.Leu522Phe). This variant is present in population databases (rs200373269, gnomAD 0.02%). This variant has not been reported in the literature in individuals affected with RELN-related conditions. ClinVar contains an entry for this variant (Variation ID: 810167). Invitae Evidence Modeling of protein sequence and biophysical properties (such as structural, functional, and spatial information, amino acid conservation, physicochemical variation, residue mobility, and thermodynamic stability) indicates that this missense variant is not expected to disrupt RELN protein function with a negative predictive value of 80%. In summary, the available evidence is currently insufficient to determine the role of this variant in disease. Therefore, it has been classified as a Variant of Uncertain Significance.

CeGaT Center for Human Genetics Tuebingen
Classification: Uncertain significance. Last evaluated: 2021-10-01. Review status: criteria provided, single submitter. Criteria: CeGaT Center For Human Genetics Tuebingen Variant Classification Criteria Version 2. Collection method: clinical testing. Allele origin: germline. Affected: yes. Observed: 3 variant alleles.

Illumina Laboratory Services, Illumina
Classification: Uncertain significance for Norman-Roberts syndrome. Last evaluated: 2018-01-12. Review status: criteria provided, single submitter. Criteria: ICSL Variant Classification Criteria 13 December 2019. Collection method: clinical testing. Allele origin: germline.

NM_005045.4(RELN):c.1566G>C (p.Leu522Phe)

Gene: RELN (reelin; minus strand). Cytogenetic location: 7q22.1.
Variant type: single nucleotide variant.
Coding change: c.1566G>C on transcript NM_005045.4 (MANE Select); coding-DNA position 1566, G replaced by C.
Protein change: p.Leu522Phe; replaces leucine 522 with phenylalanine.
Molecular consequence: missense variant.
Genome position (GRCh38, 1-based): chr7:103,652,748, C>G on the plus strand (G>C on the coding strand, the complement: RELN is on the minus strand). VCF-style: chr7-103652748-C-G. GRCh37 (hg19) VCF-style: chr7-103293195-C-G.
Other names: c.1566G>C, p.Leu522Phe (NM_173054.3); short protein forms L522F.
Identifiers: ClinVar variation 810167 (VCV000810167.53), dbSNP rs200373269, ClinGen allele CA4422221.